The following is an entry in ClinVar:

NM_004318.4(ASPH):c.695A>T (p.Glu232Val)

Gene: ASPH (aspartate beta-hydroxylase; minus strand). Cytogenetic location: 8q12.3.
Variant type: single nucleotide variant.
Coding change: c.695A>T on transcript NM_004318.4 (MANE Select); coding-DNA position 695, A replaced by T.
Protein change: p.Glu232Val; replaces glutamic acid 232 with valine.
Molecular consequence: missense variant. On other transcripts: intron variant (28).
Genome position (GRCh38, 1-based): chr8:61,643,959, T>A on the plus strand (A>T on the coding strand, the complement: ASPH is on the minus strand). VCF-style: chr8-61643959-T-A. GRCh37 (hg19) VCF-style: chr8-62556518-T-A.
Other names: c.608A>T, p.Glu203Val (NM_001164750.2, NM_001413903.1, NM_001413904.1); c.653A>T, p.Glu218Val (NM_001164751.2, NM_001413902.1, NM_032468.5 and 1 more transcripts); c.524A>T, p.Glu175Val (NM_001164753.2); c.566A>T, p.Glu189Val (NM_001164755.2, NM_001413871.1, NM_001413873.1 and 7 more transcripts); c.695A>T, p.Glu232Val (NM_001413844.1, NM_001413850.1, NM_001413864.1 and 11 more transcripts); c.740A>T, p.Glu247Val (NM_001413845.1, NM_001413846.1, NM_001413848.1 and 1 more transcripts); c.611A>T, p.Glu204Val (NM_001413865.1, NM_001413872.1, NM_001413863.1); c.479A>T, p.Glu160Val (NM_001413906.1, NM_001413907.1); and 13 more; short protein forms E232V, E247V, E160V, E164V, E207V, E218V, E189V, E175V.
Identifiers: ClinVar variation 5029589 (VCV005029589.1).

ClinVar aggregate classification (germline): Uncertain significance (1 of 4 stars; one submission).

Conditions:
Inborn genetic diseases. Identifiers: MedGen C0950123, MeSH D030342.

gnomAD v4.1: 8 of 1,611,612 alleles (0.0005%); highest among the groups gnomAD compares: Admixed American, 0.013%; no homozygotes.

Submission:

Ambry Genetics
Classification: Uncertain significance for Inborn genetic diseases. Last evaluated: 2026-06-18. Review status: criteria provided, single submitter. Criteria: Ambry Variant Classification Scheme 2023. Collection method: clinical testing. Allele origin: germline.
Comment: The c.695A>T (p.E232V) alteration is located in exon 8 (coding exon 8) of the ASPH gene. This alteration results from a A to T substitution at nucleotide position 695, causing the glutamic acid (E) at amino acid position 232 to be replaced by a valine (V). Based on data from gnomAD, the T allele has an overall frequency of 0.003% (7/280896) total alleles studied. The highest observed frequency was 0.02% (7/35246) of Latino alleles. Based on insufficient or conflicting evidence, the clinical significance of this alteration remains unclear.